The following continues an entry in ClinVar:

NM_000492.4(CFTR):c.221G>A (p.Arg74Gln)

Gene: CFTR. ClinVar aggregate classification (germline): Conflicting classifications of pathogenicity. Uncertain significance (12); Likely benign (2).

Submissions 9 to 16 of 16:

Labcorp Genetics (formerly Invitae), Labcorp
Classification: Uncertain significance for Cystic fibrosis. Last evaluated: 2022-10-04. Review status: criteria provided, single submitter. Criteria: Invitae Variant Classification Sherloc (09022015). Collection method: clinical testing. Allele origin: germline.
Comment: This sequence change replaces arginine, which is basic and polar, with glutamine, which is neutral and polar, at codon 74 of the CFTR protein (p.Arg74Gln). This variant is present in population databases (rs142540482, gnomAD 0.05%). This missense change has been observed in individual(s) with chronic pancreatitis (PMID: 17003641, 21520337, 22427236, 25033378). ClinVar contains an entry for this variant (Variation ID: 53456). Advanced modeling of protein sequence and biophysical properties (such as structural, functional, and spatial information, amino acid conservation, physicochemical variation, residue mobility, and thermodynamic stability) performed at Invitae indicates that this missense variant is not expected to disrupt CFTR protein function. Experimental studies have shown that this missense change affects CFTR function (PMID: 31561038). Algorithms developed to predict the effect of sequence changes on RNA splicing suggest that this variant may create or strengthen a splice site. In summary, the available evidence is currently insufficient to determine the role of this variant in disease. Therefore, it has been classified as a Variant of Uncertain Significance.

Institute of Human Genetics, University of Leipzig Medical Center
Classification: Uncertain significance for Cystic fibrosis. Last evaluated: 2022-09-05. Review status: criteria provided, single submitter. Criteria: ACMG Guidelines, 2015. Collection method: curation. Allele origin: unknown. Affected: yes. Observed: 1 variant allele.
Comment: The variant was classified in the context of a project re-classifying variants in the German Cystic Fibrosis Registry (Muko.e.V.). Criteria applied: PS3_SUP, PM3, PM5, BP2, BP4

Genome-Nilou Lab
Classification: Uncertain significance for Cystic fibrosis. Last evaluated: 2021-07-22. Review status: criteria provided, single submitter. Criteria: ACMG Guidelines, 2015. Collection method: clinical testing. Allele origin: germline. Affected: no.

Mayo Clinic Laboratories, Mayo Clinic
Classification: Uncertain significance. Last evaluated: 2019-05-07. Review status: criteria provided, single submitter. Criteria: ACMG Guidelines, 2015. Collection method: clinical testing. Allele origin: germline. Observed: 1 variant allele.

Eurofins Ntd Llc (ga)
Classification: Uncertain significance. Last evaluated: 2017-07-19. Review status: criteria provided, single submitter. Criteria: EGL Classification Definitions 2015. Collection method: clinical testing. Allele origin: germline. Observed: 6 variant alleles, 6 heterozygotes.

Illumina Laboratory Services, Illumina
Classification: Likely benign for CFTR-Related Disorders. Last evaluated: 2017-04-27. Review status: criteria provided, single submitter. Criteria: ICSL Variant Classification Criteria 13 December 2019. Collection method: clinical testing. Allele origin: germline.
Comment: This variant was observed as part of a predisposition screen in an ostensibly healthy population. A literature search was performed for the gene, cDNA change, and amino acid change (where applicable). Publications were found based on this search. The evidence from the literature, in combination with allele frequency data from public databases where available, was sufficient to determine this variant is unlikely to cause disease. Therefore, this variant is classified as likely benign.

Natera, Inc.
Classification: Uncertain significance for Cystic Fibrosis. Last evaluated: 2018-05-25. Review status: no assertion criteria provided. Collection method: clinical testing. Allele origin: germline. Not counted in ClinVar's aggregate classification.

Counsyl
Classification: Uncertain significance for Cystic fibrosis. Last evaluated: 2017-10-24. Review status: no assertion criteria provided. Collection method: clinical testing. Allele origin: unknown. Not counted in ClinVar's aggregate classification.

Literature cited by the submitters: PubMed 16049310 (cited by Women's Health and Genetics/Laboratory Corporation of America, LabCorp and Illumina Laboratory Services, Illumina); PubMed 17003641 (cited by 4 submitters); PubMed 21520337 (cited by 3 submitters); PubMed 22427236 (cited by 4 submitters); PubMed 23687349 (cited by Women's Health and Genetics/Laboratory Corporation of America, LabCorp); PubMed 23951356 (cited by Women's Health and Genetics/Laboratory Corporation of America, LabCorp); PubMed 25087612 (cited by Women's Health and Genetics/Laboratory Corporation of America, LabCorp and Quest Diagnostics Nichols Institute San Juan Capistrano); PubMed 25735457 (cited by Women's Health and Genetics/Laboratory Corporation of America, LabCorp and Quest Diagnostics Nichols Institute San Juan Capistrano); PubMed 20416310 (cited by Women's Health and Genetics/Laboratory Corporation of America, LabCorp and Illumina Laboratory Services, Illumina); PubMed 25033378 (cited by 6 submitters); PubMed 31561038 (cited by 4 submitters); PubMed 29859674 (cited by Women's Health and Genetics/Laboratory Corporation of America, LabCorp); PubMed 34973142 (cited by Women's Health and Genetics/Laboratory Corporation of America, LabCorp and Quest Diagnostics Nichols Institute San Juan Capistrano); PubMed 34782259 (cited by Women's Health and Genetics/Laboratory Corporation of America, LabCorp and Quest Diagnostics Nichols Institute San Juan Capistrano); PubMed 36264955 (cited by Women's Health and Genetics/Laboratory Corporation of America, LabCorp and Quest Diagnostics Nichols Institute San Juan Capistrano); PubMed 38388235 (cited by Women's Health and Genetics/Laboratory Corporation of America, LabCorp and Quest Diagnostics Nichols Institute San Juan Capistrano); PubMed 20460947 (cited by Quest Diagnostics Nichols Institute San Juan Capistrano and Ambry Genetics); PubMed 31845523 (cited by Quest Diagnostics Nichols Institute San Juan Capistrano); PubMed 32773111 (cited by Quest Diagnostics Nichols Institute San Juan Capistrano); PubMed 34906463 (cited by Quest Diagnostics Nichols Institute San Juan Capistrano); PubMed 38695616 (cited by Quest Diagnostics Nichols Institute San Juan Capistrano); PubMed 38871151 (cited by Quest Diagnostics Nichols Institute San Juan Capistrano); PubMed 36567205 (cited by Johns Hopkins Genomics, Johns Hopkins University).